The following is an entry in ClinVar:

NM_020207.7(ERCC6L2):c.92A>G (p.Asn31Ser)

Gene: ERCC6L2 (ERCC excision repair 6 like 2; plus strand). Cytogenetic location: 9q22.32.
Variant type: single nucleotide variant.
Coding change: c.92A>G on transcript NM_020207.7 (MANE Select); coding-DNA position 92, A replaced by G.
Protein change: p.Asn31Ser; replaces asparagine 31 with serine.
Molecular consequence: missense variant. On other transcripts: non-coding transcript variant (1).
Genome position (GRCh38, 1-based): chr9:95,880,914, A>G. VCF-style: chr9-95880914-A-G. GRCh37 (hg19) VCF-style: chr9-98643196-A-G.
Other names: c.92A>G, p.Asn31Ser (NM_001010895.4, NM_001375291.1, NM_001375292.1 and 2 more transcripts); short protein forms N31S.
Identifiers: ClinVar variation 5036117 (VCV005036117.1).
Genomic context (GRCh38, chr9:95,880,914, plus strand): 5'-TCTTTATTCTTGCAGACATATGGCATCCAGGAGAAAGATGTCTTGCCCCTTCTCCAGATA[A>G]TGGAAAACTTTGTGAAGCAAGCATAAAATCTATCACAGTGGATGAAAATGGCAAGTCATT-3'
Protein context (NP_064592.3, residues 21-41): GERCLAPSPD[Asn31Ser]GKLCEASIKS

ClinVar aggregate classification (germline): Uncertain significance (1 of 4 stars; one submission).

Conditions:
Inborn genetic diseases. Identifiers: MedGen C0950123, MeSH D030342.

Submission:

Ambry Genetics
Classification: Uncertain significance for Inborn genetic diseases. Last evaluated: 2026-09-13. Review status: criteria provided, single submitter. Criteria: Ambry Variant Classification Scheme 2023. Collection method: clinical testing. Allele origin: germline.
Comment: The p.N31S variant (also known as c.92A>G), located in coding exon 2 of the ERCC6L2 gene, results from an A to G substitution at nucleotide position 92. The asparagine at codon 31 is replaced by serine, an amino acid with highly similar properties. This amino acid position is conserved. In addition, this alteration is predicted to be tolerated by in silico analysis. Based on the available evidence, the clinical significance of this variant remains unclear.